The following is an entry in ClinVar:

ClinVar aggregate classification (germline): Conflicting classifications of pathogenicity. Review status: criteria provided, conflicting classifications (1 of 4 stars). 13 submissions from 13 submitters: Likely pathogenic (1); Uncertain significance (1); Benign (1); Likely benign (6). 4 of the submissions do not count toward it. Last evaluated 2026-09-01.

Conditions:
GRN-related disorder. Also called: GRN-related disorders; GRN-related condition.
Inborn genetic diseases. Identifiers: MedGen C0950123, MeSH D030342.
GRN-related frontotemporal lobar degeneration with Tdp43 inclusions (FTD2). Also called: FRONTOTEMPORAL DEMENTIA WITH TDP43 INCLUSIONS, GRN-RELATED; DEMENTIA, HEREDITARY DYSPHASIC DISINHIBITION; FRONTOTEMPORAL LOBAR DEGENERATION WITH UBIQUITIN-POSITIVE INCLUSIONS; FTLD-TDP, GRN-RELATED; GRN Frontotemporal Dementia. Identifiers: Orphanet 100070, Orphanet 282, MedGen C1843792, MONDO:0011842, OMIM 607485. Disease mechanism: loss of function.
Neuronal ceroid lipofuscinosis 11. Also called: GRN-Related Neuronal Ceroid-Lipofuscinosis. Identifiers: Orphanet 314629, Orphanet 79262, MedGen C3539123, MONDO:0013866, OMIM 614706.

Allele frequency attached by ClinVar (database versions not stated): gnomAD exomes 0.00084 and 0.00132; ExAC 0.00085; 1000 Genomes Project 30x 0.00094; 1000 Genomes Project 0.00100; TOPMed 0.00111; gnomAD 0.00112; ESP Exome Variant Server 0.00138.

Submissions (13):

CeGaT Center for Human Genetics Tuebingen
Classification: Likely benign. Last evaluated: 2026-09-01. Review status: criteria provided, single submitter. Criteria: CeGaT Center For Human Genetics Tuebingen Variant Classification Criteria Version 2. Collection method: clinical testing. Allele origin: germline. Affected: yes. Observed: 8 variant alleles.
Comment: GRN: BP4

Labcorp Genetics (formerly Invitae), Labcorp
Classification: Uncertain significance for Neuronal ceroid lipofuscinosis 11; GRN-related frontotemporal lobar degeneration with Tdp43 inclusions. Last evaluated: 2026-01-30. Review status: criteria provided, single submitter. Criteria: Invitae Variant Classification Sherloc (09022015). Collection method: clinical testing. Allele origin: germline.
Comment: This sequence change replaces alanine, which is neutral and non-polar, with threonine, which is neutral and polar, at codon 324 of the GRN protein (p.Ala324Thr). This variant is present in population databases (rs63750541, gnomAD 0.2%), and has an allele count higher than expected for a pathogenic variant. This missense change has been observed in individual(s) with frontotemporal dementia or Parkinson disease (PMID: 18192287, 18838661, 20142524). ClinVar contains an entry for this variant (Variation ID: 98165). Invitae Evidence Modeling of protein sequence and biophysical properties (such as structural, functional, and spatial information, amino acid conservation, physicochemical variation, residue mobility, and thermodynamic stability) indicates that this missense variant is not expected to disrupt GRN protein function with a negative predictive value of 80%. In summary, the available evidence is currently insufficient to determine the role of this variant in disease. Therefore, it has been classified as a Variant of Uncertain Significance.

Mayo Clinic Laboratories, Mayo Clinic
Classification: Likely benign. Last evaluated: 2024-12-11. Review status: criteria provided, single submitter. Criteria: ACMG Guidelines, 2015. Collection method: clinical testing. Allele origin: germline. Observed: 1 variant allele.
Comment: BS1, BP4_moderate

Blueprint Genetics
Classification: Likely benign. Last evaluated: 2024-10-09. Review status: criteria provided, single submitter. Criteria: ACMG Guidelines, 2015. Collection method: clinical testing. Allele origin: germline.

Institute of Human Genetics Munich, TUM University Hospital
Classification: Likely pathogenic for GRN-related frontotemporal lobar degeneration with Tdp43 inclusions. Last evaluated: 2024-07-23. Review status: criteria provided, single submitter. Criteria: Classification criteria August 2017. Collection method: clinical testing. Allele origin: de novo. Inheritance: Autosomal dominant inheritance. Affected: yes. Observed: 1 variant allele.

Athena Diagnostics
Classification: Benign. Last evaluated: 2024-02-06. Review status: criteria provided, single submitter. Criteria: Athena Diagnostics Criteria. Collection method: clinical testing. Allele origin: unknown.

GeneDx
Classification: Likely benign. Last evaluated: 2020-04-17. Review status: criteria provided, single submitter. Criteria: GeneDx Variant Classification Process June 2021. Collection method: clinical testing. Allele origin: germline. Affected: yes.
Comment: This variant is associated with the following publications: (PMID: 17371905, 19158106, 18543312, 18565828, 16950801, 27790088, 29956270, 26159191, 18192287, 22312439, 20142524, 18234697, 18184915, 25104557)

Ambry Genetics
Classification: Likely benign for Inborn genetic diseases. Last evaluated: 2018-12-04. Review status: criteria provided, single submitter. Criteria: Ambry Variant Classification Scheme 2023. Collection method: clinical testing. Allele origin: germline.

Illumina Laboratory Services, Illumina
Classification: Likely benign for GRN-related frontotemporal lobar degeneration with Tdp43 inclusions. Last evaluated: 2017-04-27. Review status: criteria provided, single submitter. Criteria: ICSL Variant Classification Criteria 13 December 2019. Collection method: clinical testing. Allele origin: germline.
Comment: This variant was observed as part of a predisposition screen in an ostensibly healthy population. A literature search was performed for the gene, cDNA change, and amino acid change (where applicable). No publications were found based on this search. Allele frequency data from public databases allowed determination this variant is unlikely to cause disease. Therefore, this variant is classified as likely benign.

PreventionGenetics, part of Exact Sciences
Classification: Likely benign for GRN-related condition. Last evaluated: 2022-09-15. Review status: no assertion criteria provided. Collection method: clinical testing. Allele origin: germline. Not counted in ClinVar's aggregate classification.
Comment: This variant is classified as likely benign based on ACMG/AMP sequence variant interpretation guidelines (Richards et al. 2015 PMID: 25741868, with internal and published modifications).

Clinical Genetics DNA and cytogenetics Diagnostics Lab, Erasmus MC, Erasmus Medical Center
Classification: Benign. Review status: no assertion criteria provided. Collection method: clinical testing. Allele origin: germline. Affected: yes. Study: VKGL Data-share Consensus. Not counted in ClinVar's aggregate classification.

Diagnostic Laboratory, Department of Genetics, University Medical Center Groningen
Classification: Likely benign. Review status: no assertion criteria provided. Collection method: clinical testing. Allele origin: germline. Affected: yes. Study: VKGL Data-share Consensus. Not counted in ClinVar's aggregate classification.

VIB  Department of Molecular Genetics, University of Antwerp
No classification provided. Review status: no classification provided. Collection method: not provided. Allele origin: unknown. Not counted in ClinVar's aggregate classification.

Literature cited by the submitters: PubMed 18192287 (cited by 4 submitters); PubMed 18838661 (cited by 3 submitters); PubMed 20142524 (cited by 4 submitters); PubMed 18184915 (cited by 3 submitters); PubMed 18565828 (cited by 3 submitters); PubMed 22312439 (cited by Mayo Clinic Laboratories, Mayo Clinic and Athena Diagnostics); PubMed 25104557 (cited by 3 submitters); PubMed 27790088 (cited by Mayo Clinic Laboratories, Mayo Clinic and Athena Diagnostics); PubMed 17371905 (cited by Athena Diagnostics and Ambry Genetics); PubMed 16950801 (cited by Athena Diagnostics and Ambry Genetics); PubMed 18234697 (cited by Athena Diagnostics); PubMed 19158106 (cited by Athena Diagnostics and Ambry Genetics); PubMed 27997711 (cited by Athena Diagnostics and Ambry Genetics); PubMed 26159191 (cited by Athena Diagnostics).

NM_002087.4(GRN):c.970G>A (p.Ala324Thr)

Gene: GRN (granulin precursor; plus strand). Cytogenetic location: 17q21.31.
Variant type: single nucleotide variant.
Coding change: c.970G>A on transcript NM_002087.4 (MANE Select); coding-DNA position 970, G replaced by A.
Protein change: p.Ala324Thr; replaces alanine 324 with threonine.
Molecular consequence: missense variant.
Genome position (GRCh38, 1-based): chr17:44,351,586, G>A. VCF-style: chr17-44351586-G-A. GRCh37 (hg19) VCF-style: chr17-42428954-G-A.
Other names: p.Ala324Thr; short protein forms A324T.
Identifiers: ClinVar variation 98165 (VCV000098165.56), dbSNP rs63750541, ClinGen allele CA225301.